The following is an entry in ClinVar:

ClinVar aggregate classification (germline): Uncertain significance (1 of 4 stars; one submission).

gnomAD v4.1: 16 of 1,578,306 alleles (0.001%); highest among the groups gnomAD compares: Non-Finnish European, 0.0014%; no homozygotes.

Submission:

Ambry Genetics
Classification: Uncertain significance. Last evaluated: 2025-02-05. Review status: criteria provided, single submitter. Criteria: Ambry Variant Classification Scheme 2023. Collection method: clinical testing. Allele origin: germline.
Comment: The p.T1631I variant (also known as c.4892C>T), located in coding exon 20 of the WNK2 gene, results from a C to T substitution at nucleotide position 4892. The threonine at codon 1631 is replaced by isoleucine, an amino acid with similar properties. This amino acid position is conserved. In addition, this alteration is predicted to be tolerated by in silico analysis. Based on the available evidence, the clinical significance of this variant remains unclear.

NM_006648.4(WNK2):c.4892C>T (p.Thr1631Ile)

Gene: WNK2 (WNK lysine deficient protein kinase 2; plus strand). Cytogenetic location: 9q22.31.
Variant type: single nucleotide variant.
Coding change: c.4892C>T on transcript NM_006648.4 (MANE Select); coding-DNA position 4892, C replaced by T.
Protein change: p.Thr1631Ile; replaces threonine 1631 with isoleucine.
Molecular consequence: missense variant.
Genome position (GRCh38, 1-based): chr9:93,290,003, C>T. VCF-style: chr9-93290003-C-T. GRCh37 (hg19) VCF-style: chr9-96052285-C-T.
Other names: c.5003C>T, p.Thr1668Ile (NM_001282394.3); short protein forms T1631I, T1668I.
Identifiers: ClinVar variation 3817013 (VCV003817013.1).